The following is an entry in ClinVar:

NM_014339.7(IL17RA):c.1412A>G (p.His471Arg)

Gene: IL17RA (interleukin 17 receptor A; plus strand). Cytogenetic location: 22q11.1.
Variant type: single nucleotide variant.
Coding change: c.1412A>G on transcript NM_014339.7 (MANE Select); coding-DNA position 1412, A replaced by G.
Protein change: p.His471Arg; replaces histidine 471 with arginine.
Molecular consequence: missense variant.
Genome position (GRCh38, 1-based): chr22:17,108,631, A>G. VCF-style: chr22-17108631-A-G. GRCh37 (hg19) VCF-style: chr22-17589521-A-G.
Other names: c.1310A>G, p.His437Arg (NM_001289905.2); short protein forms H471R, H437R.
Identifiers: ClinVar variation 542921 (VCV000542921.14), dbSNP rs138446583, ClinGen allele CA10086748.

ClinVar aggregate classification (germline): Likely benign. Review status: criteria provided, single submitter (1 of 4 stars). 2 submissions from 2 submitters: Likely benign (1). 1 of the submissions does not count toward it. Last evaluated 2026-02-04.

Conditions:
IL17RA-related disorder. Also called: IL17RA-related condition.
Immunodeficiency 51 (IMD51). Also called: CANDIDIASIS, FAMILIAL, 5. Identifiers: Orphanet 1334, MedGen C4310803, MONDO:0013500, OMIM 613953.

Allele frequency attached by ClinVar (database versions not stated): gnomAD exomes 0.00011 and 0.00029; ExAC 0.00041; gnomAD 0.00115 and 0.00122; ESP Exome Variant Server 0.00123; TOPMed 0.00159; 1000 Genomes Project 0.00160; 1000 Genomes Project 30x 0.00187.
gnomAD v4.1: 344 of 1,605,454 alleles (0.021%); highest among the groups gnomAD compares: African/African-American, 0.33%; 3 homozygotes.

Submissions (2):

Labcorp Genetics (formerly Invitae), Labcorp
Classification: Likely benign for Immunodeficiency 51. Last evaluated: 2026-02-04. Review status: criteria provided, single submitter. Criteria: Invitae Variant Classification Sherloc (09022015). Collection method: clinical testing. Allele origin: germline.

PreventionGenetics, part of Exact Sciences
Classification: Likely benign for IL17RA-related condition. Last evaluated: 2020-08-10. Review status: no assertion criteria provided. Collection method: clinical testing. Allele origin: germline. Not counted in ClinVar's aggregate classification.
Comment: This variant is classified as likely benign based on ACMG/AMP sequence variant interpretation guidelines (Richards et al. 2015 PMID: 25741868, with internal and published modifications).